The following is an entry in ClinVar:

ClinVar aggregate classification (germline): Uncertain significance (1 of 4 stars; one submission).

Conditions:
SLC2A9-related disorder. Also called: SLC2A9-related condition.

gnomAD v4.1: 5 of 1,556,172 alleles (0.00032%); highest among the groups gnomAD compares: South Asian, 0.0012%; no homozygotes.

Submission:

PreventionGenetics, part of Exact Sciences
Classification: Uncertain significance for SLC2A9-related condition. Last evaluated: 2026-04-10. Review status: criteria provided, single submitter. Criteria: ACMG Guidelines, 2015. Collection method: clinical testing. Allele origin: germline.
Comment: The SLC2A9 c.1234C>T variant is predicted to result in the amino acid substitution p.Pro412Ser. To our knowledge, this variant has not been reported in the literature. This variant is reported in 0.0013% of alleles in individuals of European (Non-Finnish) descent in gnomAD. At this time, the clinical significance of this variant is uncertain due to the absence of conclusive functional and genetic evidence.

NM_020041.3(SLC2A9):c.1234C>T (p.Pro412Ser)

Gene: SLC2A9 (solute carrier family 2 member 9; minus strand). Cytogenetic location: 4p16.1.
Variant type: single nucleotide variant.
Coding change: c.1234C>T on transcript NM_020041.3 (MANE Select); coding-DNA position 1234, C replaced by T.
Protein change: p.Pro412Ser; replaces proline 412 with serine.
Molecular consequence: missense variant.
Genome position (GRCh38, 1-based): chr4:9,887,624, G>A on the plus strand (C>T on the coding strand, the complement: SLC2A9 is on the minus strand). VCF-style: chr4-9887624-G-A. GRCh37 (hg19) VCF-style: chr4-9889248-G-A.
Other names: c.1147C>T, p.Pro383Ser (NM_001001290.2); short protein forms P412S, P383S.
Identifiers: ClinVar variation 4995146 (VCV004995146.1).